The following is an entry in ClinVar:

NM_004360.5(CDH1):c.2387G>A (p.Arg796Gln)

Gene: CDH1 (cadherin 1; plus strand). Cytogenetic location: 16q22.1.
Variant type: single nucleotide variant.
Coding change: c.2387G>A on transcript NM_004360.5 (MANE Select); coding-DNA position 2387, G replaced by A.
Protein change: p.Arg796Gln; replaces arginine 796 with glutamine.
Molecular consequence: missense variant.
Genome position (GRCh38, 1-based): chr16:68,829,745, G>A. VCF-style: chr16-68829745-G-A. GRCh37 (hg19) VCF-style: chr16-68863648-G-A.
Other names: c.2387G>A (LRG_301t1); c.422G>A, p.Arg141Gln (NM_001317186.2); c.839G>A, p.Arg280Gln (NM_001317185.2); c.2204G>A, p.Arg735Gln (NM_001317184.2); short protein forms R796Q, R280Q, R141Q, R735Q.
Identifiers: ClinVar variation 142565 (VCV000142565.38), dbSNP rs587782549, ClinGen allele CA168715.
Genomic context (GRCh38, chr16:68,829,745, plus strand): 5'-TGGACGCTCGGCCTGAAGTGACTCGTAACGACGTTGCACCAACCCTCATGAGTGTCCCCC[G>A]GTATCTTCCCCGCCCTGCCAATCCCGATGAAATTGGAAATTTTATTGATGAAGTAAGTAA-3'
Protein context (NP_004351.1, residues 786-806): DVAPTLMSVP[Arg796Gln]YLPRPANPDE

ClinVar aggregate classification (germline): Conflicting classifications of pathogenicity. Review status: criteria provided, conflicting classifications (1 of 4 stars). 14 submissions from 14 submitters: Uncertain significance (8); Likely benign (6). Last evaluated 2026-01-19.

Conditions:
Familial cancer of breast. Also called: hereditary breast carcinoma; BREAST CANCER, FAMILIAL; Hereditary breast cancer. Identifiers: Orphanet 227535, MedGen C0346153, MONDO:0016419, OMIM 114480. Disease mechanism: loss of function.
Ovarian cancer. Also called: OVARIAN CANCER, SOMATIC. Identifiers: Orphanet 213500, MedGen C1140680, MONDO:0008170, OMIM 167000.
Hereditary cancer-predisposing syndrome. Also called: Tumor predisposition; Hereditary Cancer Syndrome; Neoplastic Syndromes, Hereditary; Hereditary neoplastic syndrome. Identifiers: Orphanet 140162, MedGen C0027672, MeSH D009386, MONDO:0015356.
Hereditary diffuse gastric adenocarcinoma (HDGC). Also called: DIFFUSE GASTRIC AND LOBULAR BREAST CANCER SYNDROME. Identifiers: Orphanet 26106, MedGen C1708349, MONDO:0007648, OMIM 137215.

Allele frequency attached by ClinVar (database versions not stated): ExAC 0.00003; gnomAD exomes 0.00003; gnomAD 0.00004 and 0.00005; TOPMed 0.00004.
gnomAD v4.1: 47 of 1,613,902 alleles (0.0029%); highest among the groups gnomAD compares: Middle Eastern, 0.083%; no homozygotes.

Submissions (14):

Labcorp Genetics (formerly Invitae), Labcorp
Classification: Likely benign for Hereditary diffuse gastric adenocarcinoma. Last evaluated: 2026-01-19. Review status: criteria provided, single submitter. Criteria: Invitae Variant Classification Sherloc (09022015). Collection method: clinical testing. Allele origin: germline.

Quest Diagnostics Nichols Institute San Juan Capistrano
Classification: Uncertain significance. Last evaluated: 2025-09-10. Review status: criteria provided, single submitter. Criteria: Quest Diagnostics criteria. Collection method: clinical testing. Allele origin: unknown.
Comment: The CDH1 c.2387G>A (p.Arg796Gln) variant has been reported in the published literature in at least one reportedly unaffected individual and affected individuals in large-scale breast cancer association studies (PMIDs: 30287823 (2018), 33471991 (2021), see also LOVD). Additionally, the variant was identified in an individual with unspecified cancer (PMID: 36436516 (2023)). The frequency of this variant in the general population (Genome Aggregation Database) is higher than would generally be expected for pathogenic variants in this gene. Analysis of this variant using bioinformatics tools for the prediction of the effect of amino acid changes on protein structure and function yielded predictions that this variant is benign. Based on the available information, we are unable to determine the clinical significance of this variant.

Institute for Biomarker Research, Medical Diagnostic Laboratories, L.L.C.
Classification: Uncertain significance for Hereditary cancer-predisposing syndrome. Last evaluated: 2025-03-10. Review status: criteria provided, single submitter. Criteria: ACMG Guidelines, 2015. Collection method: clinical testing. Allele origin: germline.
Comment: The missense variant NM_004360.5(CDH1):c.2387G>A (p.Arg796Gln) has not been reported previously as a pathogenic variant, to our knowledge. There is a small physicochemical difference between arginine and glutamine, which is not likely to impact secondary protein structure as these residues share similar properties. The p.Arg796Gln missense variant is predicted to be tolerated by both SIFT or PolyPhen2. The glutamine residue at codon 796 of CDH1 is present in Bushbaby and 48 other mammalian species. For these reasons, this variant has been classified as Uncertain Significance.

Center for Genomic Medicine, Rigshospitalet, Copenhagen University Hospital
Classification: Uncertain significance. Last evaluated: 2025-03-04. Review status: criteria provided, single submitter. Criteria: ACMG Guidelines, 2015. Collection method: clinical testing. Allele origin: germline.

Blueprint Genetics
Classification: Likely benign. Last evaluated: 2024-08-26. Review status: criteria provided, single submitter. Criteria: ACMG Guidelines, 2015. Collection method: clinical testing. Allele origin: germline.

Department of Pathology and Laboratory Medicine, Sinai Health System
Classification: Likely benign for Familial cancer of breast; Ovarian cancer. Last evaluated: 2024-06-17. Review status: criteria provided, single submitter. Criteria: ACMG Guidelines, 2015. Collection method: clinical testing. Allele origin: germline. Affected: yes.

Women's Health and Genetics/Laboratory Corporation of America, LabCorp
Classification: Likely benign. Last evaluated: 2023-10-02. Review status: criteria provided, single submitter. Criteria: LabCorp Variant Classification Summary - May 2015. Collection method: clinical testing. Allele origin: germline.
Comment: Variant summary: CDH1 c.2387G>A (p.Arg796Gln) results in a conservative amino acid change in the encoded protein sequence. Four of four in-silico tools predict a benign effect of the variant on protein function. The variant allele was found at a frequency of 3.7e-05 in 403358 control chromosomes. The observed variant frequency is slightly higher than the estimated maximal expected allele frequency for a pathogenic variant in CDH1 causing Hereditary Diffuse Gastric Cancer phenotype (2.8e-05), suggesting that the variant is benign. A recent case-control study showed that this variant was not associated with breast cancer (Dorling_2021). The following publication has been ascertained in the context of this evaluation (PMID: 33471991). Nine submitters have submitted clinical-significance assessments for this variant to ClinVar after 2014; they reported the variant with conflicting assessments (Likely Benign n=3, VUS n=6). Based on the evidence outlined above, the variant was classified as likely benign.

GeneDx
Classification: Uncertain significance. Last evaluated: 2023-09-06. Review status: criteria provided, single submitter. Criteria: GeneDx Variant Classification Process June 2021. Collection method: clinical testing. Allele origin: germline. Affected: yes.
Comment: In silico analysis supports that this missense variant does not alter protein structure/function; This variant is associated with the following publications: (PMID: 28202063, 29295527, 15235021, 22850631, 32283892, 31159747)

European Reference Network on Genetic Tumour Risk Syndromes (ERN-GENTURIS), i3s - Instituto de Investigação e Inovação em Saúde, University of Porto
Classification: Uncertain significance for Hereditary diffuse gastric adenocarcinoma. Last evaluated: 2022-08-01. Review status: criteria provided, single submitter. Criteria: Lee et al. (Hum Mutat. 2018). Collection method: clinical testing. Allele origin: germline. Inheritance: Autosomal dominant inheritance. Affected: no. Study: ERN GENTURIS.
Comment: BS2_Supporting (PMID: 30311375)

Institute for Clinical Genetics, University Hospital TU Dresden, University Hospital TU Dresden
Classification: Uncertain significance. Last evaluated: 2021-11-03. Review status: criteria provided, single submitter. Criteria: ACMG Guidelines, 2015. Collection method: clinical testing. Allele origin: germline.

Color Diagnostics, LLC DBA Color Health
Classification: Likely benign for Hereditary cancer-predisposing syndrome. Last evaluated: 2021-03-18. Review status: criteria provided, single submitter. Criteria: ACMG Guidelines, 2015. Collection method: clinical testing. Allele origin: germline.

Mendelics
Classification: Uncertain significance for Hereditary diffuse gastric adenocarcinoma. Last evaluated: 2019-05-28. Review status: criteria provided, single submitter. Criteria: Mendelics Assertion Criteria 2017. Collection method: clinical testing. Allele origin: unknown.

GeneKor MSA
Classification: Uncertain significance for Hereditary cancer-predisposing syndrome. Last evaluated: 2018-08-01. Review status: criteria provided, single submitter. Criteria: ACMG Guidelines, 2015. Collection method: clinical testing. Allele origin: germline. Affected: no.

Ambry Genetics
Classification: Likely benign for Hereditary cancer-predisposing syndrome. Last evaluated: 2018-05-03. Review status: criteria provided, single submitter. Criteria: Ambry Variant Classification Scheme 2023. Collection method: clinical testing. Allele origin: germline.

Literature cited by the submitters: PubMed 28202063 (cited by 3 submitters); PubMed 29295527 (cited by Quest Diagnostics Nichols Institute San Juan Capistrano and Department of Pathology and Laboratory Medicine, Sinai Health System); PubMed 33471991 (cited by 4 submitters); PubMed 36436516 (cited by 3 submitters).